The following is an entry in ClinVar:

ClinVar aggregate classification (germline): Uncertain significance (0 of 4 stars; one submission).

Conditions:
PLXNA3-related disorder. Also called: PLXNA3-related condition.

Submission:

PreventionGenetics, part of Exact Sciences
Classification: Uncertain significance for PLXNA3-related condition. Last evaluated: 2024-06-26. Review status: no assertion criteria provided. Collection method: clinical testing. Allele origin: germline.
Comment: The PLXNA3 c.2767C>T variant is predicted to result in the amino acid substitution p.Arg923Cys. To our knowledge, this variant has not been reported in the literature or in a large population database, indicating this variant is rare. At this time, the clinical significance of this variant is uncertain due to the absence of conclusive functional and genetic evidence.

NM_017514.5(PLXNA3):c.2767C>T (p.Arg923Cys)

Gene: PLXNA3 (plexin A3; plus strand). Cytogenetic location: Xq28.
Variant type: single nucleotide variant.
Coding change: c.2767C>T on transcript NM_017514.5 (MANE Select); coding-DNA position 2767, C replaced by T.
Protein change: p.Arg923Cys; replaces arginine 923 with cysteine.
Molecular consequence: missense variant.
Genome position (GRCh38, 1-based): chrX:154,466,238, C>T. VCF-style: chrX-154466238-C-T. GRCh37 (hg19) VCF-style: chrX-153694581-C-T.
Other names: short protein forms R923C.
Identifiers: ClinVar variation 3344832 (VCV003344832.1).